The following is an entry in ClinVar:

ClinVar aggregate classification (germline): Uncertain significance (1 of 4 stars; one submission).

Allele frequency attached by ClinVar (database versions not stated): ExAC 0.00001; gnomAD 0.00001; TOPMed 0.00001; gnomAD exomes 0.00002.
gnomAD v4.1: 14 of 1,612,310 alleles (0.00087%); highest among the groups gnomAD compares: East Asian, 0.016%; no homozygotes.

Submission:

Labcorp Genetics (formerly Invitae), Labcorp
Classification: Uncertain significance. Last evaluated: 2024-10-14. Review status: criteria provided, single submitter. Criteria: Invitae Variant Classification Sherloc (09022015). Collection method: clinical testing. Allele origin: germline.
Comment: This sequence change replaces aspartic acid, which is acidic and polar, with asparagine, which is neutral and polar, at codon 401 of the LAMB1 protein (p.Asp401Asn). This variant is present in population databases (rs746535619, gnomAD 0.02%). This variant has not been reported in the literature in individuals affected with LAMB1-related conditions. ClinVar contains an entry for this variant (Variation ID: 1474964). An algorithm developed to predict the effect of missense changes on protein structure and function outputs the following: PolyPhen-2: "Benign". The asparagine amino acid residue is found in multiple mammalian species, which suggests that this missense change does not adversely affect protein function. In summary, the available evidence is currently insufficient to determine the role of this variant in disease. Therefore, it has been classified as a Variant of Uncertain Significance.

NM_002291.3(LAMB1):c.1201G>A (p.Asp401Asn)

Gene: LAMB1 (laminin subunit beta 1; minus strand). Cytogenetic location: 7q31.1.
Variant type: single nucleotide variant.
Coding change: c.1201G>A on transcript NM_002291.3 (MANE Select); coding-DNA position 1201, G replaced by A.
Protein change: p.Asp401Asn; replaces aspartic acid 401 with asparagine.
Molecular consequence: missense variant.
Genome position (GRCh38, 1-based): chr7:107,975,402, C>T on the plus strand (G>A on the coding strand, the complement: LAMB1 is on the minus strand). VCF-style: chr7-107975402-C-T. GRCh37 (hg19) VCF-style: chr7-107615847-C-T.
Other names: short protein forms D401N.
Identifiers: ClinVar variation 1474964 (VCV001474964.5), dbSNP rs746535619, ClinGen allele CA4436077.